The following is an entry in ClinVar:

NM_020822.3(KCNT1):c.1008C>T (p.Cys336=)

Gene: KCNT1 (potassium sodium-activated channel subfamily T member 1; plus strand). Cytogenetic location: 9q34.3.
Variant type: single nucleotide variant.
Coding change: c.1008C>T on transcript NM_020822.3 (MANE Select); coding-DNA position 1008, C replaced by T.
Protein change: p.Cys336=; no amino-acid change (cysteine 336 retained).
Molecular consequence: synonymous variant.
Genome position (GRCh38, 1-based): chr9:135,759,832, C>T. VCF-style: chr9-135759832-C-T. GRCh37 (hg19) VCF-style: chr9-138651678-C-T.
Other names: c.873C>T, p.Cys291= (NM_001272003.2).
Identifiers: ClinVar variation 384136 (VCV000384136.17), dbSNP rs540422455, ClinGen allele CA5326721.

ClinVar aggregate classification (germline): Benign/Likely benign. Review status: criteria provided, multiple submitters, no conflicts (2 of 4 stars). 6 submissions from 5 submitters: Benign (4); Likely benign (2). Last evaluated 2026-02-02.

Conditions:
Autosomal dominant nocturnal frontal lobe epilepsy 5. Also called: KCNT1-Related Epilepsy; CILIARY DYSKINESIA, PRIMARY, 28, WITHOUT SITUS INVERSUS; CILIARY DYSKINESIA, PRIMARY, 28, WITH SITUS INVERSUS; Epilepsy, nocturnal frontal lobe, 5. Identifiers: Orphanet 98784, MedGen C3554306, MONDO:0014002, OMIM 615005.
Inborn genetic diseases. Identifiers: MedGen C0950123, MeSH D030342.
Developmental and epileptic encephalopathy, 14 (DEE14). Also called: Early infantile epileptic encephalopathy 14. Identifiers: Orphanet 293181, MedGen C3554195, MONDO:0013989, OMIM 614959.

Allele frequency attached by ClinVar (database versions not stated): gnomAD exomes 0.00020 and 0.00065; gnomAD 0.00021 and 0.00031; TOPMed 0.00028; ExAC 0.00062; 1000 Genomes Project 30x 0.00250; 1000 Genomes Project 0.00260.
gnomAD v4.1: 353 of 1,608,588 alleles (0.022%); highest among the groups gnomAD compares: East Asian, 0.58%; 3 homozygotes.

Submissions (6):

Labcorp Genetics (formerly Invitae), Labcorp
Classification: Benign for Autosomal dominant nocturnal frontal lobe epilepsy 5; Developmental and epileptic encephalopathy, 14. Last evaluated: 2026-02-02. Review status: criteria provided, single submitter. Criteria: Invitae Variant Classification Sherloc (09022015). Collection method: clinical testing. Allele origin: germline.

Blueprint Genetics
Classification: Likely benign. Last evaluated: 2024-06-28. Review status: criteria provided, single submitter. Criteria: ACMG Guidelines, 2015. Collection method: clinical testing. Allele origin: germline.

Genome-Nilou Lab
Classification: Benign for Developmental and epileptic encephalopathy, 14. Last evaluated: 2022-03-15. Review status: criteria provided, single submitter. Criteria: ACMG Guidelines, 2015. Collection method: clinical testing. Allele origin: germline. Affected: no.

Genome-Nilou Lab
Classification: Benign for Autosomal dominant nocturnal frontal lobe epilepsy 5. Last evaluated: 2022-03-15. Review status: criteria provided, single submitter. Criteria: ACMG Guidelines, 2015. Collection method: clinical testing. Allele origin: germline. Affected: no.

Ambry Genetics
Classification: Likely benign for Inborn genetic diseases. Last evaluated: 2016-06-10. Review status: criteria provided, single submitter. Criteria: Ambry Variant Classification Scheme 2023. Collection method: clinical testing. Allele origin: germline.

GeneDx
Classification: Benign. Last evaluated: 2016-04-01. Review status: criteria provided, single submitter. Criteria: GeneDx Variant Classification (06012015). Collection method: clinical testing. Allele origin: germline. Affected: yes.
Comment: This variant is considered likely benign or benign based on one or more of the following criteria: it is a conservative change, it occurs at a poorly conserved position in the protein, it is predicted to be benign by multiple in silico algorithms, and/or has population frequency not consistent with disease.